The following is an entry in ClinVar:

ClinVar aggregate classification (germline): Uncertain significance (1 of 4 stars; one submission).

Conditions:
Neurofibromatosis, type 1 (NF1). Also called: Peripheral type neurofibromatosis; VON RECKLINGHAUSEN DISEASE; Neurofibromatosis, type I; NEUROFIBROMATOSIS, TYPE I, SOMATIC. Identifiers: Orphanet 636, MedGen C0027831, MONDO:0018975, OMIM 162200. Disease mechanism: loss of function.

Submission:

Labcorp Genetics (formerly Invitae), Labcorp
Classification: Uncertain significance for Neurofibromatosis, type 1. Last evaluated: 2023-12-04. Review status: criteria provided, single submitter. Criteria: Invitae Variant Classification Sherloc (09022015). Collection method: clinical testing. Allele origin: germline.
Comment: This sequence change replaces asparagine, which is neutral and polar, with isoleucine, which is neutral and non-polar, at codon 1864 of the NF1 protein (p.Asn1864Ile). This variant is not present in population databases (gnomAD no frequency). This variant has not been reported in the literature in individuals affected with NF1-related conditions. Advanced modeling of protein sequence and biophysical properties (such as structural, functional, and spatial information, amino acid conservation, physicochemical variation, residue mobility, and thermodynamic stability) performed at Invitae indicates that this missense variant is expected to disrupt NF1 protein function with a positive predictive value of 95%. In summary, the available evidence is currently insufficient to determine the role of this variant in disease. Therefore, it has been classified as a Variant of Uncertain Significance.

NM_001042492.3(NF1):c.5654A>T (p.Asn1885Ile)

Gene: NF1 (neurofibromin 1; plus strand). Cytogenetic location: 17q11.2.
Variant type: single nucleotide variant.
Coding change: c.5654A>T on transcript NM_001042492.3 (MANE Select); coding-DNA position 5654, A replaced by T.
Protein change: p.Asn1885Ile; replaces asparagine 1885 with isoleucine.
Molecular consequence: missense variant.
Genome position (GRCh38, 1-based): chr17:31,330,340, A>T. VCF-style: chr17-31330340-A-T. GRCh37 (hg19) VCF-style: chr17-29657358-A-T.
Other names: c.5591A>T, p.Asn1864Ile (NM_000267.4); short protein forms N1864I, N1885I.
Identifiers: ClinVar variation 2700903 (VCV002700903.3), dbSNP rs2508718087, ClinGen allele CA399010182.